The following is an entry in ClinVar:

NM_003998.4(NFKB1):c.836-199G>C

Gene: NFKB1 (nuclear factor kappa B subunit 1; plus strand). Cytogenetic location: 4q24.
Variant type: single nucleotide variant.
Coding change: c.836-199G>C on transcript NM_003998.4 (MANE Select); 199 bases into the intron before coding-DNA position 836, G replaced by C.
Molecular consequence: intron variant.
Genome position (GRCh38, 1-based): chr4:102,582,667, G>C. VCF-style: chr4-102582667-G-C. GRCh37 (hg19) VCF-style: chr4-103503824-G-C.
Other names: c.836-199G>C (NM_001382626.1, NM_001382625.1); c.833-199G>C (NM_001382627.1, NM_001165412.2, NM_001319226.2); c.794-199G>C (NM_001382628.1).
Identifiers: ClinVar variation 1265871 (VCV001265871.4), dbSNP rs4699030, ClinGen allele CA11695916.

ClinVar aggregate classification (germline): Benign. Review status: criteria provided, multiple submitters, no conflicts (2 of 4 stars). 2 submissions from 2 submitters: Benign (2). Last evaluated 2024-01-24.

Allele frequency attached by ClinVar (database versions not stated): gnomAD 0.41182 and 0.41358; TOPMed 0.41581; 1000 Genomes Project 0.41593; 1000 Genomes Project 30x 0.41802.
gnomAD v4.1: 62,456 of 151,854 alleles (41%); highest among the groups gnomAD compares: Admixed American, 48%; 13,032 homozygotes.

Submissions (2):

Unidad de Genómica Garrahan, Hospital de Pediatría Garrahan
Classification: Benign. Last evaluated: 2024-01-24. Review status: criteria provided, single submitter. Criteria: ACMG Guidelines, 2015. Collection method: clinical testing. Allele origin: germline. Affected: no. Observed: 61 variant alleles.
Comment: This variant is classified as Benign based on local population frequency. This variant was detected in 69% of patients studied by a panel of primary immunodeficiencies. Number of patients: 61. Only high quality variants are reported.

GeneDx
Classification: Benign. Last evaluated: 2018-11-12. Review status: criteria provided, single submitter. Criteria: GeneDx Variant Classification Process June 2021. Collection method: clinical testing. Allele origin: germline. Affected: yes.